The following is an entry in ClinVar:

ClinVar aggregate classification (germline): Pathogenic (1 of 4 stars; one submission).

Conditions:
T-cell immunodeficiency, congenital alopecia, and nail dystrophy. Also called: Congenital alopecia and nail dystrophy associated with severe functional T-cell immunodeficiency; Pignata Guarino syndrome. Identifiers: Orphanet 169095, MedGen C1866426, MONDO:0011132, OMIM 601705.

Submission:

Labcorp Genetics (formerly Invitae), Labcorp
Classification: Pathogenic for T-cell immunodeficiency, congenital alopecia, and nail dystrophy. Last evaluated: 2021-05-07. Review status: criteria provided, single submitter. Criteria: Invitae Variant Classification Sherloc (09022015). Collection method: clinical testing. Allele origin: germline.
Comment: This variant is not present in population databases (ExAC no frequency). This sequence change creates a premature translational stop signal (p.Met444Trpfs*106) in the FOXN1 gene. While this is not anticipated to result in nonsense mediated decay, it is expected to disrupt the last 205 amino acid(s) of the FOXN1 protein. This variant has been observed in individual(s) with severe combined immunodeficiency (Invitae). In at least one individual the variant was observed to be de novo. For these reasons, this variant has been classified as Pathogenic. This variant disrupts the C-terminus of the FOXN1 protein. Other variant(s) that disrupt this region (p.Gln489Argfs*61) have been determined to be pathogenic (PMID: 31566583). This suggests that variants that disrupt this region of the protein are likely to be causative of disease.

Literature cited by the submitters: PubMed 31566583.

NM_001369369.1(FOXN1):c.1327del (p.Met444fs)

Gene: FOXN1 (forkhead box N1; plus strand). Cytogenetic location: 17q11.2.
Variant type: Deletion.
Coding change: c.1327del on transcript NM_001369369.1 (MANE Select); coding-DNA position 1327, one base deleted (C; older notation c.1327delC).
Protein change: p.Met444fs; shifts the reading frame from methionine 444.
Molecular consequence: frameshift variant.
Genome position (GRCh38, 1-based): chr17:28,534,898, C deleted. VCF-style (leftmost placement, unchanged base first): chr17-28534897-AC-A. GRCh37 (hg19) VCF-style: chr17-26861915-AC-A.
Other names: c.1327del, p.Met444fs (NM_003593.3); short protein forms M444fs.
Identifiers: ClinVar variation 1067142 (VCV001067142.5), dbSNP rs2151498964, ClinGen allele CA2499223951.